The following is an entry in ClinVar:

NM_003071.4(HLTF):c.990+6G>A

Gene: HLTF (helicase like transcription factor; minus strand). Cytogenetic location: 3q24.
Variant type: single nucleotide variant.
Coding change: c.990+6G>A on transcript NM_003071.4 (MANE Select); 6 bases into the intron after coding-DNA position 990, G replaced by A.
Molecular consequence: intron variant.
Genome position (GRCh38, 1-based): chr3:149,068,234, C>T on the plus strand (G>A on the coding strand, the complement: HLTF is on the minus strand). VCF-style: chr3-149068234-C-T. GRCh37 (hg19) VCF-style: chr3-148786021-C-T.
Other names: c.990+6G>A (NM_001318935.2, NM_001318934.2, NM_139048.3).
Identifiers: ClinVar variation 3041528 (VCV003041528.2), dbSNP rs41267869, ClinGen allele CA2659410.
Genomic context (GRCh38, chr3:149,068,234, plus strand): 5'-GATGAAATTTAAAGATTTCACAATAAACTGGAGGTTTCACATAAAGCGCACTTACTACTA[C>T]TTTACCTTCTTCAGTAGATTCTTTTTAACTCTTTCAATAGGAAGAGGTCTGCCATCATGG-3'

ClinVar aggregate classification (germline): Likely benign (0 of 4 stars; one submission).

Conditions:
HLTF-related disorder. Also called: HLTF-related condition.

Allele frequency attached by ClinVar (database versions not stated): 1000 Genomes Project 30x 0.00094; 1000 Genomes Project 0.00100; ExAC 0.00299; gnomAD 0.00354; TOPMed 0.00400; ESP Exome Variant Server 0.00446; gnomAD exomes 0.00552.
gnomAD v4.1: 7,084 of 1,350,984 alleles (0.52%); highest among the groups gnomAD compares: Non-Finnish European, 0.69%; 33 homozygotes.

Submission:

PreventionGenetics, part of Exact Sciences
Classification: Likely benign for HLTF-related condition. Last evaluated: 2020-10-01. Review status: no assertion criteria provided. Collection method: clinical testing. Allele origin: germline.
Comment: This variant is classified as likely benign based on ACMG/AMP sequence variant interpretation guidelines (Richards et al. 2015 PMID: 25741868, with internal and published modifications).